The following is an entry in ClinVar:

NM_002234.4(KCNA5):c.959T>C (p.Leu320Pro)

Gene: KCNA5 (potassium voltage-gated channel subfamily A member 5; plus strand). Cytogenetic location: 12p13.32.
Variant type: single nucleotide variant.
Coding change: c.959T>C on transcript NM_002234.4 (MANE Select); coding-DNA position 959, T replaced by C.
Protein change: p.Leu320Pro; replaces leucine 320 with proline.
Molecular consequence: missense variant.
Genome position (GRCh38, 1-based): chr12:5,045,106, T>C. VCF-style: chr12-5045106-T-C. GRCh37 (hg19) VCF-style: chr12-5154272-T-C.
Other names: short protein forms L320P.
Identifiers: ClinVar variation 2150941 (VCV002150941.4), dbSNP rs946423535, ClinGen allele CA231868240.

ClinVar aggregate classification (germline): Uncertain significance (1 of 4 stars; one submission).

Conditions:
Atrial fibrillation, familial, 7 (ATFB7). Identifiers: MedGen C2677106, MONDO:0012828, OMIM 612240.

Allele frequency attached by ClinVar (database versions not stated): TOPMed 0.00001.

Submission:

Labcorp Genetics (formerly Invitae), Labcorp
Classification: Uncertain significance for Atrial fibrillation, familial, 7. Last evaluated: 2022-01-19. Review status: criteria provided, single submitter. Criteria: Invitae Variant Classification Sherloc (09022015). Collection method: clinical testing. Allele origin: germline.
Comment: This variant is present in population databases (no rsID available, gnomAD 0.009%). This variant has not been reported in the literature in individuals affected with KCNA5-related conditions. Algorithms developed to predict the effect of missense changes on protein structure and function (SIFT, PolyPhen-2, Align-GVGD) all suggest that this variant is likely to be disruptive. In summary, the available evidence is currently insufficient to determine the role of this variant in disease. Therefore, it has been classified as a Variant of Uncertain Significance. This sequence change replaces leucine, which is neutral and non-polar, with proline, which is neutral and non-polar, at codon 320 of the KCNA5 protein (p.Leu320Pro).